The following is an entry in ClinVar:

ClinVar aggregate classification (germline): Uncertain significance (1 of 4 stars; one submission).

Conditions:
Dihydropteridine reductase deficiency (HPABH4C). Also called: DHPR DEFICIENCY; BH4-Deficient Hyperphenylalaninemia C; Hyperphenylalaninemia due to dihydropteridine reductase deficiency; Hyperphenylalaninemia, BH-4-deficient, C; Phenylketonuria type 2; HYPERPHENYLALANINEMIA, TETRAHYDROBIOPTERIN-DEFICIENT, DUE TO DHPR DEFICIENCY. Identifiers: Orphanet 226, Orphanet 238583, MedGen C0268465, MONDO:0009862, OMIM 261630.

Allele frequency attached by ClinVar (database versions not stated): gnomAD exomes 0.00005 and 0.00011; TOPMed 0.00005; gnomAD 0.00002 and 0.00006; ExAC 0.00013; 1000 Genomes Project 0.00080; 1000 Genomes Project 30x 0.00078.
gnomAD v4.1: 78 of 1,614,084 alleles (0.0048%); highest among the groups gnomAD compares: South Asian, 0.059%; no homozygotes.

Submission:

Labcorp Genetics (formerly Invitae), Labcorp
Classification: Uncertain significance for Dihydropteridine reductase deficiency. Last evaluated: 2022-08-31. Review status: criteria provided, single submitter. Criteria: Invitae Variant Classification Sherloc (09022015). Collection method: clinical testing. Allele origin: germline.
Comment: This sequence change replaces serine, which is neutral and polar, with asparagine, which is neutral and polar, at codon 51 of the QDPR protein (p.Ser51Asn). This variant is present in population databases (rs187958701, gnomAD 0.05%). This variant has not been reported in the literature in individuals affected with QDPR-related conditions. ClinVar contains an entry for this variant (Variation ID: 1442496). Algorithms developed to predict the effect of missense changes on protein structure and function output the following: SIFT: "Tolerated"; PolyPhen-2: "Benign"; Align-GVGD: "Class C0". The asparagine amino acid residue is found in multiple mammalian species, which suggests that this missense change does not adversely affect protein function. In summary, the available evidence is currently insufficient to determine the role of this variant in disease. Therefore, it has been classified as a Variant of Uncertain Significance.

NM_000320.3(QDPR):c.152G>A (p.Ser51Asn)

Gene: QDPR (quinoid dihydropteridine reductase; minus strand). Cytogenetic location: 4p15.32.
Variant type: single nucleotide variant.
Coding change: c.152G>A on transcript NM_000320.3 (MANE Select); coding-DNA position 152, G replaced by A.
Protein change: p.Ser51Asn; replaces serine 51 with asparagine.
Molecular consequence: missense variant. On other transcripts: non-coding transcript variant (1), intron variant (1).
Genome position (GRCh38, 1-based): chr4:17,509,317, C>T on the plus strand (G>A on the coding strand, the complement: QDPR is on the minus strand). VCF-style: chr4-17509317-C-T. GRCh37 (hg19) VCF-style: chr4-17510940-C-T.
Other names: c.105+2633G>A (NM_001306140.2); short protein forms S51N.
Identifiers: ClinVar variation 1442496 (VCV001442496.4), dbSNP rs187958701, ClinGen allele CA2868207.